The following is an entry in ClinVar:

ClinVar aggregate classification (germline): Uncertain significance. Review status: criteria provided, multiple submitters, no conflicts (2 of 4 stars). 2 submissions from 2 submitters: Uncertain significance (2). Last evaluated 2025-05-17.

Conditions:
Inborn genetic diseases. Identifiers: MedGen C0950123, MeSH D030342.

gnomAD v4.1: 11 of 1,614,104 alleles (0.00068%); highest among the groups gnomAD compares: Admixed American, 0.0017%; no homozygotes.

Submissions (2):

Ambry Genetics
Classification: Uncertain significance for Inborn genetic diseases. Last evaluated: 2025-05-17. Review status: criteria provided, single submitter. Criteria: Ambry Variant Classification Scheme 2023. Collection method: clinical testing. Allele origin: germline.

Labcorp Genetics (formerly Invitae), Labcorp
Classification: Uncertain significance. Last evaluated: 2024-11-11. Review status: criteria provided, single submitter. Criteria: Invitae Variant Classification Sherloc (09022015). Collection method: clinical testing. Allele origin: germline.
Comment: This sequence change replaces proline, which is neutral and non-polar, with leucine, which is neutral and non-polar, at codon 254 of the PUS1 protein (p.Pro254Leu). This variant is present in population databases (rs753950876, gnomAD 0.0009%). This variant has not been reported in the literature in individuals affected with PUS1-related conditions. Invitae Evidence Modeling of protein sequence and biophysical properties (such as structural, functional, and spatial information, amino acid conservation, physicochemical variation, residue mobility, and thermodynamic stability) has been performed for this missense variant. However, the output from this modeling did not meet the statistical confidence thresholds required to predict the impact of this variant on PUS1 protein function. In summary, the available evidence is currently insufficient to determine the role of this variant in disease. Therefore, it has been classified as a Variant of Uncertain Significance.

NM_025215.6(PUS1):c.761C>T (p.Pro254Leu)

Gene: PUS1 (pseudouridine synthase 1; plus strand). Cytogenetic location: 12q24.33.
Variant type: single nucleotide variant.
Coding change: c.761C>T on transcript NM_025215.6 (MANE Select); coding-DNA position 761, C replaced by T.
Protein change: p.Pro254Leu; replaces proline 254 with leucine.
Molecular consequence: missense variant.
Genome position (GRCh38, 1-based): chr12:131,941,508, C>T. VCF-style: chr12-131941508-C-T. GRCh37 (hg19) VCF-style: chr12-132426053-C-T.
Other names: c.677C>T, p.Pro226Leu (NM_001002019.3, NM_001002020.3); c.761C>T (NM_025215.5); short protein forms P226L, P254L.
Identifiers: ClinVar variation 3705966 (VCV003705966.2).
Genomic context (GRCh38, chr12:131,941,508, plus strand): 5'-GGCTCCTGGCCTGCTACAAGGGCACGCACAACTTCCACAATTTCACCTCGCAGAAGGGGC[C>T]GCAGGATCCCAGTGCCTGCCGCTACATCCTGGAGATGTACTGCGAGGAACCCTTTGTGCG-3'
Protein context (NP_079491.2, residues 244-264): NFHNFTSQKG[Pro254Leu]QDPSACRYIL